The following is an entry in ClinVar:

ClinVar aggregate classification (germline): Conflicting classifications of pathogenicity. Review status: criteria provided, conflicting classifications (1 of 4 stars). 2 submissions from 2 submitters: Pathogenic (1); Uncertain significance (1). Last evaluated 2024-05-22.

Conditions:
Arrhythmogenic cardiomyopathy with wooly hair and keratoderma. Also called: PALMOPLANTAR KERATODERMA WITH LEFT VENTRICULAR CARDIOMYOPATHY AND WOOLLY HAIR; Arrhythmogenic cardiomyopathy with woolly hair and keratoderma; Carvajal syndrome; Dilated cardiomyopathy with woolly hair and keratoderma. Identifiers: Orphanet 65282, MedGen C1854063, MONDO:0011581, OMIM 605676.
Arrhythmogenic right ventricular dysplasia 8 (ARVD8). Also called: ARRHYTHMOGENIC RIGHT VENTRICULAR DYSPLASIA, FAMILIAL, 8; ARRHYTHMOGENIC RIGHT VENTRICULAR CARDIOMYOPATHY 8; Arrhythmogenic Right Ventricular Dysplasia/Cardiomyopathy 8. Identifiers: MedGen C1843896, MONDO:0011831, OMIM 607450.

Submissions (2):

Labcorp Genetics (formerly Invitae), Labcorp
Classification: Pathogenic for Arrhythmogenic cardiomyopathy with wooly hair and keratoderma; Arrhythmogenic right ventricular dysplasia 8. Last evaluated: 2024-05-22. Review status: criteria provided, single submitter. Criteria: Invitae Variant Classification Sherloc (09022015). Collection method: clinical testing. Allele origin: germline.
Comment: This sequence change replaces serine, which is neutral and polar, with proline, which is neutral and non-polar, at codon 597 of the DSP protein (p.Ser597Pro). This variant is not present in population databases (gnomAD no frequency). This missense change has been observed in individual(s) with clinical features of autosomal dominant DSP-related conditions (Invitae). In at least one individual the variant was observed to be de novo. ClinVar contains an entry for this variant (Variation ID: 2131612). An algorithm developed to predict the effect of missense changes on protein structure and function (PolyPhen-2) suggests that this variant is likely to be disruptive. This variant disrupts the p.Ser597 amino acid residue in DSP. Other variant(s) that disrupt this residue have been determined to be pathogenic (PMID: 20940358; Invitae). This suggests that this residue is clinically significant, and that variants that disrupt this residue are likely to be disease-causing. For these reasons, this variant has been classified as Pathogenic.

Blueprint Genetics
Classification: Uncertain significance. Last evaluated: 2021-12-07. Review status: criteria provided, single submitter. Criteria: ACMG Guidelines, 2015. Collection method: clinical testing. Allele origin: germline.

Literature cited by the submitters: PubMed 20940358 (cited by Labcorp Genetics (formerly Invitae), Labcorp).

NM_004415.4(DSP):c.1789T>C (p.Ser597Pro)

Gene: DSP (desmoplakin; plus strand). Cytogenetic location: 6p24.3.
Variant type: single nucleotide variant.
Coding change: c.1789T>C on transcript NM_004415.4 (MANE Select); coding-DNA position 1789, T replaced by C.
Protein change: p.Ser597Pro; replaces serine 597 with proline.
Molecular consequence: missense variant.
Genome position (GRCh38, 1-based): chr6:7,571,470, T>C. VCF-style: chr6-7571470-T-C. GRCh37 (hg19) VCF-style: chr6-7571703-T-C.
Other names: c.1789T>C, p.Ser597Pro (NM_001008844.3, NM_001319034.2); short protein forms S597P.
Identifiers: ClinVar variation 2131612 (VCV002131612.5), dbSNP rs2533894106, ClinGen allele CA362679120.